The following is an entry in ClinVar:

NM_019066.5(MAGEL2):c.1222C>T (p.Pro408Ser)

Gene: MAGEL2 (MAGE family member L2; minus strand). Cytogenetic location: 15q11.2.
Variant type: single nucleotide variant.
Coding change: c.1222C>T on transcript NM_019066.5 (MANE Select); coding-DNA position 1222, C replaced by T.
Protein change: p.Pro408Ser; replaces proline 408 with serine.
Molecular consequence: missense variant.
Genome position (GRCh38, 1-based): chr15:23,646,521, G>A on the plus strand (C>T on the coding strand, the complement: MAGEL2 is on the minus strand). VCF-style: chr15-23646521-G-A. GRCh37 (hg19) VCF-style: chr15-23891668-G-A.
Other names: c.1222C>T (NM_019066.4); short protein forms P408S.
Identifiers: ClinVar variation 2985636 (VCV002985636.5), dbSNP rs1001431597, ClinGen allele CA267660613.

ClinVar aggregate classification (germline): Uncertain significance. Review status: criteria provided, multiple submitters, no conflicts (2 of 4 stars). 2 submissions from 2 submitters: Uncertain significance (2). Last evaluated 2026-03-18.

Conditions:
MAGEL2-related disorder. Also called: MAGEL2-related condition.

Allele frequency attached by ClinVar (database versions not stated): gnomAD exomes 0.00001; TOPMed 0.00002.

Submissions (2):

PreventionGenetics, part of Exact Sciences
Classification: Uncertain significance for MAGEL2-related condition. Last evaluated: 2026-03-18. Review status: criteria provided, single submitter. Criteria: ACMG Guidelines, 2015. Collection method: clinical testing. Allele origin: germline.
Comment: The MAGEL2 c.1222C>T variant is predicted to result in the amino acid substitution p.Pro408Ser. To our knowledge, this variant has not been reported in the literature. This variant is reported in 0.020% of alleles in individuals of Latino descent in gnomAD. Although we suspect that this variant may be benign, at this time, the clinical significance of this variant is uncertain due to the absence of conclusive functional and genetic evidence.

Labcorp Genetics (formerly Invitae), Labcorp
Classification: Uncertain significance. Last evaluated: 2025-01-07. Review status: criteria provided, single submitter. Criteria: Invitae Variant Classification Sherloc (09022015). Collection method: clinical testing. Allele origin: germline.
Comment: This sequence change replaces proline, which is neutral and non-polar, with serine, which is neutral and polar, at codon 408 of the MAGEL2 protein (p.Pro408Ser). The frequency data for this variant in the population databases is considered unreliable, as metrics indicate poor data quality at this position in the gnomAD database. This variant has not been reported in the literature in individuals affected with MAGEL2-related conditions. ClinVar contains an entry for this variant (Variation ID: 2985636). An algorithm developed to predict the effect of missense changes on protein structure and function outputs the following: PolyPhen-2: "Not Available". The serine amino acid residue is found in multiple mammalian species, which suggests that this missense change does not adversely affect protein function. In summary, the available evidence is currently insufficient to determine the role of this variant in disease. Therefore, it has been classified as a Variant of Uncertain Significance.